The following is an entry in ClinVar:

ClinVar aggregate classification (germline): Uncertain significance (1 of 4 stars; one submission).

Submission:

Labcorp Genetics (formerly Invitae), Labcorp
Classification: Uncertain significance. Last evaluated: 2024-03-11. Review status: criteria provided, single submitter. Criteria: Invitae Variant Classification Sherloc (09022015). Collection method: clinical testing. Allele origin: germline.
Comment: This sequence change creates a premature translational stop signal (p.Val131Phefs*10) in the ASRGL1 gene. It is expected to result in an absent or disrupted protein product. However, the current clinical and genetic evidence is not sufficient to establish whether loss-of-function variants in ASRGL1 cause disease. This variant is not present in population databases (gnomAD no frequency). This variant has not been reported in the literature in individuals affected with ASRGL1-related conditions. ClinVar contains an entry for this variant (Variation ID: 1501656). In summary, the available evidence is currently insufficient to determine the role of this variant in disease. Therefore, it has been classified as a Variant of Uncertain Significance.

NM_001083926.2(ASRGL1):c.391del (p.Val131fs)

Gene: ASRGL1 (asparaginase and isoaspartyl peptidase 1; plus strand). Cytogenetic location: 11q12.3.
Variant type: Deletion.
Coding change: c.391del on transcript NM_001083926.2 (MANE Select); coding-DNA position 391, one base deleted (G; older notation c.391delG).
Protein change: p.Val131fs; shifts the reading frame from valine 131.
Molecular consequence: frameshift variant.
Genome position (GRCh38, 1-based): chr11:62,357,044, G deleted; the last of 5 consecutive G bases (chr11:62,357,040-62,357,044); deleting any one gives the same sequence. VCF-style (leftmost placement, unchanged base first): chr11-62357039-TG-T. GRCh37 (hg19) VCF-style: chr11-62124511-TG-T.
Other names: c.391del, p.Val131fs (NM_025080.4); short protein forms V131fs.
Identifiers: ClinVar variation 1501656 (VCV001501656.6), dbSNP rs2134608321, ClinGen allele CA2573147282.
Genomic context (GRCh38, chr11:62,357,039, plus strand): 5'-TGGCTCAGACACCTCATTGCTTTCTGACTGACCAAGGCGCAGCGCAGTTTGCAGCAGCTA[TG>T]GGGGTTCCAGAGATTCCTGGAGAAAAACTGGTGACAGAGAGAAACAAAAAGCGCCTGGAA-3'